The following is an entry in ClinVar:

ClinVar aggregate classification (germline): Uncertain significance (1 of 4 stars; one submission).

Conditions:
Cystic fibrosis (CF). Also called: MUCOVISCIDOSIS. Identifiers: Orphanet 586, MedGen C0010674, MONDO:0009061, OMIM 219700. Disease mechanism: loss of function.

Submission:

Labcorp Genetics (formerly Invitae), Labcorp
Classification: Uncertain significance for Cystic fibrosis. Last evaluated: 2024-06-23. Review status: criteria provided, single submitter. Criteria: Invitae Variant Classification Sherloc (09022015). Collection method: clinical testing. Allele origin: germline.
Comment: This variant, c.3125_3127del, results in the deletion of 1 amino acid(s) of the CFTR protein (p.Gln1042del), but otherwise preserves the integrity of the reading frame. This variant is not present in population databases (gnomAD no frequency). This variant has not been reported in the literature in individuals affected with CFTR-related conditions. Experimental studies and prediction algorithms are not available or were not evaluated, and the functional significance of this variant is currently unknown. In summary, the available evidence is currently insufficient to determine the role of this variant in disease. Therefore, it has been classified as a Variant of Uncertain Significance.

NM_000492.4(CFTR):c.3122AAC[1] (p.Gln1042del)

Genes: CFTR (CF transmembrane conductance regulator; plus strand), CFTR-AS2 (CFTR antisense RNA 2; minus strand), LOC111674472 (DNase I hypersensitive sites in introns 16 and 17a of CFTR; plus strand). Cytogenetic location: 7q31.2.
Variant type: Microsatellite.
Coding change: c.3122AAC[1] on transcript NM_000492.4 (MANE Select); one copy of the 3-base unit AAC starting at c.3122; the reference has two copies in a row; one copy, 3 bases deleted.
Protein change: p.Gln1042del; deletes glutamine 1042.
Genome position (GRCh38, 1-based): chr7:117,610,655-117,610,657, AAC deleted; deleting any 3 consecutive bases within chr7:117,610,652-117,610,657 gives the same sequence; the position shown is the placement nearest the transcript's 3' end. VCF-style (leftmost placement, unchanged base first): chr7-117610651-AAAC-A. GRCh37 (hg19) VCF-style: chr7-117250705-AAAC-A.
Other names: short protein forms Q1042del.
Identifiers: ClinVar variation 3673853 (VCV003673853.2).